The following is an entry in ClinVar:

NM_021067.5(GINS1):c.405del (p.Asp135fs)

Gene: GINS1 (GINS complex subunit 1; plus strand). Cytogenetic location: 20p11.21.
Variant type: Deletion.
Coding change: c.405del on transcript NM_021067.5 (MANE Select); coding-DNA position 405, one base deleted (C; older notation c.405delC).
Protein change: p.Asp135fs; shifts the reading frame from aspartic acid 135.
Molecular consequence: frameshift variant. On other transcripts: non-coding transcript variant (1).
Genome position (GRCh38, 1-based): chr20:25,425,285, C deleted. VCF-style (leftmost placement, unchanged base first): chr20-25425284-AC-A. GRCh37 (hg19) VCF-style: chr20-25405920-AC-A.
Other names: c.150delC, p.Asp50Glufs (NM_001410831.1); short protein forms D135fs.
Identifiers: ClinVar variation 2027379 (VCV002027379.4), dbSNP rs2516038568, ClinGen allele CA2580098061.

ClinVar aggregate classification (germline): Uncertain significance (1 of 4 stars; one submission).

Submission:

Labcorp Genetics (formerly Invitae), Labcorp
Classification: Uncertain significance. Last evaluated: 2022-09-10. Review status: criteria provided, single submitter. Criteria: Invitae Variant Classification Sherloc (09022015). Collection method: clinical testing. Allele origin: germline.
Comment: In summary, the available evidence is currently insufficient to determine the role of this variant in disease. Therefore, it has been classified as a Variant of Uncertain Significance. This variant has not been reported in the literature in individuals affected with GINS1-related conditions. This variant is not present in population databases (gnomAD no frequency). This sequence change creates a premature translational stop signal (p.Asp135Glufs*6) in the GINS1 gene. It is expected to result in an absent or disrupted protein product. However, the current clinical and genetic evidence is not sufficient to establish whether loss-of-function variants in GINS1 cause disease.